The following is an entry in ClinVar:

ClinVar aggregate classification (germline): Uncertain significance (1 of 4 stars; one submission).

Submission:

Labcorp Genetics (formerly Invitae), Labcorp
Classification: Uncertain significance. Last evaluated: 2024-10-31. Review status: criteria provided, single submitter. Criteria: Invitae Variant Classification Sherloc (09022015). Collection method: clinical testing. Allele origin: germline.
Comment: This sequence change creates a premature translational stop signal (p.Gln116*) in the TPRKB gene. It is expected to result in an absent or disrupted protein product. However, the current clinical and genetic evidence is not sufficient to establish whether loss-of-function variants in TPRKB cause disease. This variant is present in population databases (no rsID available, gnomAD 0.007%). This variant has not been reported in the literature in individuals affected with TPRKB-related conditions. ClinVar contains an entry for this variant (Variation ID: 2911965). Algorithms developed to predict the effect of sequence changes on RNA splicing suggest that this variant may disrupt the consensus splice site. In summary, the available evidence is currently insufficient to determine the role of this variant in disease. Therefore, it has been classified as a Variant of Uncertain Significance.

NM_016058.5(TPRKB):c.346_349del (p.Lys115_Gln116insTer)

Gene: TPRKB (TP53RK binding protein; minus strand). Cytogenetic location: 2p13.1.
Variant type: Deletion.
Coding change: c.346_349del on transcript NM_016058.5 (MANE Select); coding-DNA positions 346 to 349, 4 bases deleted (CAAA; older notation c.346_349delCAAA).
Protein change: p.Lys115_Gln116insTer.
Molecular consequence: nonsense.
Genome position (GRCh38, 1-based): chr2:73,730,652-73,730,655, TTTG deleted on the plus strand (CAAA on the coding strand, the reverse complement: TPRKB is on the minus strand); deleting any 4 consecutive bases within chr2:73,730,652-73,730,658 gives the same sequence; the c. name uses the placement nearest the transcript's 3' end. VCF-style (leftmost placement, unchanged base first): chr2-73730651-ATTTG-A. GRCh37 (hg19) VCF-style: chr2-73957778-ATTTG-A.
Other names: c.463_466del, p.Lys154_Gln155insTer (NM_001330386.2, NM_001330387.2); c.346_349del, p.Lys115_Gln116insTer (NM_001330388.2, NM_001330389.2); c.292_295del, p.Lys97_Gln98insTer (NM_001330390.2); c.247_250del, p.Lys82_Gln83insTer (NM_001330391.2, NM_001330392.2).
Identifiers: ClinVar variation 2911965 (VCV002911965.3), dbSNP rs1440375870, ClinGen allele CA426783911.